The following is an entry in ClinVar:

ClinVar aggregate classification (germline): Benign/Likely benign. Review status: criteria provided, multiple submitters, no conflicts (2 of 4 stars). 4 submissions from 4 submitters: Benign (2); Likely benign (1). 1 of the submissions does not count toward it. Last evaluated 2025-12-03.

Conditions:
Deficiency of beta-ureidopropionase (UPB1D). Also called: Beta-ureidopropionase deficiency. Identifiers: Orphanet 65287, MedGen C1291512, MONDO:0013164, OMIM 613161.
UPB1-related disorder. Also called: UPB1-related condition.

Allele frequency attached by ClinVar (database versions not stated): ESP Exome Variant Server 0.00031; TOPMed 0.00083; gnomAD 0.00130 and 0.00160; gnomAD exomes 0.00155 and 0.00249; ExAC 0.00258; 1000 Genomes Project 30x 0.00359; 1000 Genomes Project 0.00419.

Submissions (4):

Labcorp Genetics (formerly Invitae), Labcorp
Classification: Benign. Last evaluated: 2025-12-03. Review status: criteria provided, single submitter. Criteria: Invitae Variant Classification Sherloc (09022015). Collection method: clinical testing. Allele origin: germline.

Blueprint Genetics
Classification: Likely benign. Last evaluated: 2024-11-13. Review status: criteria provided, single submitter. Criteria: ACMG Guidelines, 2015. Collection method: clinical testing. Allele origin: germline.

Illumina Laboratory Services, Illumina
Classification: Benign for Deficiency of beta-ureidopropionase. Last evaluated: 2018-01-13. Review status: criteria provided, single submitter. Criteria: ICSL Variant Classification Criteria 13 December 2019. Collection method: clinical testing. Allele origin: germline.
Comment: This variant was observed in the ICSL laboratory as part of a predisposition screen in an ostensibly healthy population. It had not been previously curated by ICSL or reported in the Human Gene Mutation Database (HGMD: prior to June 1st, 2018), and was therefore a candidate for classification through an automated scoring system. Utilizing variant allele frequency, disease prevalence and penetrance estimates, and inheritance mode, an automated score was calculated to assess if this variant is too frequent to cause the disease. Based on the score and internal cut-off values, a variant classified as benign is not then subjected to further curation. The score for this variant resulted in a classification of benign for this disease.

PreventionGenetics, part of Exact Sciences
Classification: Benign for UPB1-related condition. Last evaluated: 2019-04-12. Review status: no assertion criteria provided. Collection method: clinical testing. Allele origin: germline. Not counted in ClinVar's aggregate classification.
Comment: This variant is classified as benign based on ACMG/AMP sequence variant interpretation guidelines (Richards et al. 2015 PMID: 25741868, with internal and published modifications).

NM_016327.3(UPB1):c.1122G>A (p.Lys374=)

Genes: UPB1 (beta-ureidopropionase 1; plus strand), LOC130067121 (ATAC-STARR-seq lymphoblastoid active region 18778; plus strand). Cytogenetic location: 22q11.23.
Variant type: single nucleotide variant.
Coding change: c.1122G>A on transcript NM_016327.3 (MANE Select); coding-DNA position 1122, G replaced by A.
Protein change: p.Lys374=; no amino-acid change (lysine 374 retained).
Molecular consequence: synonymous variant.
Genome position (GRCh38, 1-based): chr22:24,525,761, G>A. VCF-style: chr22-24525761-G-A. GRCh37 (hg19) VCF-style: chr22-24921729-G-A.
Identifiers: ClinVar variation 340938 (VCV000340938.16), dbSNP rs35916595, ClinGen allele CA10153497.
Genomic context (GRCh38, chr22:24,525,761, plus strand): 5'-TTGCTTTCAGATGACGGGCAGGTATGAGATGTACGCACGGGAGCTCGCCGAAGCTGTCAA[G>A]TCCAACTACAGCCCCACCATCGTGAAAGAGTAGCCGGCTTCAGTGCCTGCCTTGGGGTGA-3'
Protein context (NP_057411.1, residues 364-384): MYARELAEAV[Lys374=]SNYSPTIVKE